The following is an entry in ClinVar:

NM_152383.5(DIS3L2):c.702+10T>G

Gene: DIS3L2 (DIS3 like 3'-5' exoribonuclease 2; plus strand). Cytogenetic location: 2q37.1.
Variant type: single nucleotide variant.
Coding change: c.702+10T>G on transcript NM_152383.5 (MANE Select); 10 bases into the intron after coding-DNA position 702, T replaced by G.
Molecular consequence: intron variant. On other transcripts: missense variant (1), non-coding transcript variant (1).
Genome position (GRCh38, 1-based): chr2:232,130,729, T>G. VCF-style: chr2-232130729-T-G. GRCh37 (hg19) VCF-style: chr2-232995439-T-G.
Other names: c.712T>G, p.Tyr238Asp (NM_001257282.2); c.702+10T>G (NM_001257281.2); short protein forms Y238D.
Identifiers: ClinVar variation 241983 (VCV000241983.48), dbSNP rs184764939, ClinGen allele CA2163904.

ClinVar aggregate classification (germline): Benign/Likely benign. Review status: criteria provided, multiple submitters, no conflicts (2 of 4 stars). 9 submissions from 9 submitters: Benign (3); Likely benign (4). 2 of the submissions do not count toward it. Last evaluated 2026-02-03.

Conditions:
Perlman syndrome (PRLMNS). Identifiers: Orphanet 2849, MedGen C0796113, MONDO:0009965, OMIM 267000.

Allele frequency attached by ClinVar (database versions not stated): 1000 Genomes Project 0.00180; 1000 Genomes Project 30x 0.00187; TOPMed 0.00227; ESP Exome Variant Server 0.00234; gnomAD 0.00330 and 0.00343; gnomAD exomes 0.00372 and 0.00419; ExAC 0.00405.
gnomAD v4.1: 5,927 of 1,613,292 alleles (0.37%); highest among the groups gnomAD compares: Non-Finnish European, 0.33%; 26 homozygotes.

Submissions (9):

Labcorp Genetics (formerly Invitae), Labcorp
Classification: Benign for Perlman syndrome. Last evaluated: 2026-02-03. Review status: criteria provided, single submitter. Criteria: Invitae Variant Classification Sherloc (09022015). Collection method: clinical testing. Allele origin: germline.

CeGaT Center for Human Genetics Tuebingen
Classification: Benign. Last evaluated: 2025-09-01. Review status: criteria provided, single submitter. Criteria: CeGaT Center For Human Genetics Tuebingen Variant Classification Criteria Version 2. Collection method: clinical testing. Allele origin: germline. Affected: yes. Observed: 9 variant alleles.
Comment: DIS3L2: BP4, BS1, BS2

Blueprint Genetics
Classification: Likely benign. Last evaluated: 2024-11-22. Review status: criteria provided, single submitter. Criteria: ACMG Guidelines, 2015. Collection method: clinical testing. Allele origin: germline.

Genetic Services Laboratory, University of Chicago
Classification: Benign. Last evaluated: 2021-10-11. Review status: criteria provided, single submitter. Criteria: ACMG Guidelines, 2015. Collection method: clinical testing. Allele origin: germline. Affected: no.

GeneDx
Classification: Likely benign. Last evaluated: 2019-01-10. Review status: criteria provided, single submitter. Criteria: GeneDx Variant Classification Process June 2021. Collection method: clinical testing. Allele origin: germline. Affected: yes.

Illumina Laboratory Services, Illumina
Classification: Likely benign for Perlman syndrome. Last evaluated: 2018-01-13. Review status: criteria provided, single submitter. Criteria: ICSL Variant Classification Criteria 13 December 2019. Collection method: clinical testing. Allele origin: germline.
Comment: This variant was observed in the ICSL laboratory as part of a predisposition screen in an ostensibly healthy population. It had not been previously curated by ICSL or reported in the Human Gene Mutation Database (HGMD: prior to June 1st, 2018), and was therefore a candidate for classification through an automated scoring system. Utilizing variant allele frequency, disease prevalence and penetrance estimates, and inheritance mode, an automated score was calculated to assess if this variant is too frequent to cause the disease. Based on the score and internal cut-off values, a variant classified as likely benign is not then subjected to further curation. The score for this variant resulted in a classification of likely benign for this disease.

Breakthrough Genomics
Classification: Likely benign. Review status: criteria provided, single submitter. Criteria: ACMG Guidelines, 2015. Collection method: not provided. Allele origin: germline. Inheritance: Autosomal recessive inheritance. Affected: yes.

Clinical Genetics DNA and cytogenetics Diagnostics Lab, Erasmus MC, Erasmus Medical Center
Classification: Likely benign. Review status: no assertion criteria provided. Collection method: clinical testing. Allele origin: germline. Affected: yes. Study: VKGL Data-share Consensus. Not counted in ClinVar's aggregate classification.

Genome Diagnostics Laboratory, Amsterdam University Medical Center
Classification: Likely benign. Review status: no assertion criteria provided. Collection method: clinical testing. Allele origin: germline. Affected: yes. Study: VKGL Data-share Consensus. Not counted in ClinVar's aggregate classification.